The following is an entry in ClinVar:

NM_001164508.2(NEB):c.7335_7338del (p.Lys2445fs)

Gene: NEB (nebulin; minus strand). Cytogenetic location: 2q23.3.
Variant type: Deletion.
Coding change: c.7335_7338del on transcript NM_001164508.2 (MANE Select); coding-DNA positions 7335 to 7338, 4 bases deleted (GAAA; older notation c.7335_7338delGAAA).
Protein change: p.Lys2445fs; shifts the reading frame from lysine 2445.
Molecular consequence: frameshift variant.
Genome position (GRCh38, 1-based): chr2:151,650,269-151,650,272, TTTC deleted on the plus strand (GAAA on the coding strand, the reverse complement: NEB is on the minus strand); deleting any 4 consecutive bases within chr2:151,650,269-151,650,274 gives the same sequence; the c. name uses the placement nearest the transcript's 3' end. VCF-style (leftmost placement, unchanged base first): chr2-151650268-ATTTC-A. GRCh37 (hg19) VCF-style: chr2-152506782-ATTTC-A.
Other names: c.7335_7338del, p.Lys2445fs (NM_001164507.2, NM_001271208.2, NM_004543.5); short protein forms K2445fs.
Identifiers: ClinVar variation 1456999 (VCV001456999.6), dbSNP rs2154134253, ClinGen allele CA2573133224.

ClinVar aggregate classification (germline): Pathogenic (1 of 4 stars; one submission).

Conditions:
Nemaline myopathy 2 (NEM2). Also called: Nemaline myopathy 2, autosomal recessive. Identifiers: MedGen C1850569, MONDO:0009725, OMIM 256030.

Submission:

Labcorp Genetics (formerly Invitae), Labcorp
Classification: Pathogenic for Nemaline myopathy 2. Last evaluated: 2021-08-21. Review status: criteria provided, single submitter. Criteria: Invitae Variant Classification Sherloc (09022015). Collection method: clinical testing. Allele origin: germline.
Comment: This sequence change creates a premature translational stop signal (p.Lys2445Asnfs*20) in the NEB gene. It is expected to result in an absent or disrupted protein product. Loss-of-function variants in NEB are known to be pathogenic (PMID: 25205138). This variant is not present in population databases (ExAC no frequency). This variant has not been reported in the literature in individuals affected with NEB-related conditions. For these reasons, this variant has been classified as Pathogenic.

Literature cited by the submitters: PubMed 25205138.